The following is an entry in ClinVar:

ClinVar aggregate classification (germline): Uncertain significance. Review status: criteria provided, multiple submitters, no conflicts (2 of 4 stars). 7 submissions from 7 submitters: Uncertain significance (7). Last evaluated 2025-12-11.

Conditions:
Long QT syndrome (LQTS). Identifiers: MedGen C0023976, MeSH D008133, MONDO:0002442. Disease mechanism: loss of function. Inheritance: Various modes of inheritance.
Cardiac arrhythmia, ankyrin-B-related. Also called: ANKYRIN-B SYNDROME. Identifiers: Orphanet 101016, Orphanet 768, MedGen C1970119, MONDO:0010958, OMIM 600919.
Cardiovascular phenotype. Identifiers: MedGen CN230736.
Brugada syndrome. Also called: Sudden unexpected nocturnal death syndrome; Sudden unexplained nocturnal death syndrome; Sudden Unexplained Death Syndrome; Sudden Unexplained Nocturnal Death Syndrome (SUNDS). Identifiers: Orphanet 130, MedGen C1142166, MONDO:0015263.

Allele frequency attached by ClinVar (database versions not stated): gnomAD 0.00001 and 0.00002; ExAC 0.00002; TOPMed 0.00004.
gnomAD v4.1: 66 of 1,614,048 alleles (0.0041%); highest among the groups gnomAD compares: Admixed American, 0.017%; no homozygotes.

Submissions (7):

Ambry Genetics
Classification: Uncertain significance for Cardiovascular phenotype. Last evaluated: 2025-12-11. Review status: criteria provided, single submitter. Criteria: Ambry Variant Classification Scheme 2023. Collection method: clinical testing. Allele origin: germline.
Comment: The p.R3942H variant (also known as c.11825G>A), located in coding exon 45 of the ANK2 gene, results from a G to A substitution at nucleotide position 11825. The arginine at codon 3942 is replaced by histidine, an amino acid with highly similar properties. This amino acid position is highly conserved in available vertebrate species. In addition, this alteration is predicted to be deleterious by in silico analysis. According to data from gnomAD, the frequency for this variant is above the maximum credible frequency for a cardiac disease-causing variant in this gene based on internally established thresholds (Karczewski et al. Nature. 2020 May;581(7809):434-443; Whiffin et al. Genet Med. 2017 10;19:1151-1158). Based on the supporting evidence, the association of this alteration with ANK2-related neurodevelopmental disorder is unknown; however, the association with ANK2-related arrhythmia is unlikely.

Dasa
Classification: Uncertain significance. Last evaluated: 2025-04-10. Review status: criteria provided, single submitter. Criteria: DASA Assertion Criteria. Collection method: clinical testing. Allele origin: germline.
Comment: NM_001148.6(ANK2):c.11825G>A (p.Arg3942His) is a missense variant that results in the substitution of arginine with histidine. This variant is rare in population databases. The currently available literature and clinical evidence are not sufficient to establish a definitive association between this variant and the reported condition. Therefore, this variant is classified as a variant of uncertain significance.

CeGaT Center for Human Genetics Tuebingen
Classification: Uncertain significance. Last evaluated: 2025-04-01. Review status: criteria provided, single submitter. Criteria: CeGaT Center For Human Genetics Tuebingen Variant Classification Criteria Version 2. Collection method: clinical testing. Allele origin: germline. Affected: yes. Observed: 1 variant allele.

Labcorp Genetics (formerly Invitae), Labcorp
Classification: Uncertain significance for Long QT syndrome. Last evaluated: 2024-08-22. Review status: criteria provided, single submitter. Criteria: Invitae Variant Classification Sherloc (09022015). Collection method: clinical testing. Allele origin: germline.
Comment: This sequence change replaces arginine, which is basic and polar, with histidine, which is basic and polar, at codon 3942 of the ANK2 protein (p.Arg3942His). This variant is present in population databases (rs542400709, gnomAD 0.02%). This variant has not been reported in the literature in individuals affected with ANK2-related conditions. ClinVar contains an entry for this variant (Variation ID: 1013838). An algorithm developed to predict the effect of missense changes on protein structure and function (PolyPhen-2) suggests that this variant is likely to be disruptive. In summary, the available evidence is currently insufficient to determine the role of this variant in disease. Therefore, it has been classified as a Variant of Uncertain Significance.

GeneDx
Classification: Uncertain significance. Last evaluated: 2022-10-24. Review status: criteria provided, single submitter. Criteria: GeneDx Variant Classification Process June 2021. Collection method: clinical testing. Allele origin: germline. Affected: yes.
Comment: In silico analysis supports that this missense variant has a deleterious effect on protein structure/function; Has not been previously published as pathogenic or benign to our knowledge

Department of Pathology and Laboratory Medicine, Sinai Health System
Classification: Uncertain significance for Brugada syndrome. Last evaluated: 2021-10-18. Review status: criteria provided, single submitter. Criteria: ACMG Guidelines, 2015. Collection method: research. Allele origin: germline.

Fulgent Genetics
Classification: Uncertain significance for Cardiac arrhythmia, ankyrin-B-related. Last evaluated: 2021-08-27. Review status: criteria provided, single submitter. Criteria: ACMG Guidelines, 2015. Collection method: clinical testing. Allele origin: unknown.

NM_001148.6(ANK2):c.11825G>A (p.Arg3942His)

Gene: ANK2 (ankyrin 2; plus strand). Cytogenetic location: 4q26.
Variant type: single nucleotide variant.
Coding change: c.11825G>A on transcript NM_001148.6 (MANE Select); coding-DNA position 11825, G replaced by A.
Protein change: p.Arg3942His; replaces arginine 3942 with histidine.
Molecular consequence: missense variant. On other transcripts: intron variant (9).
Genome position (GRCh38, 1-based): chr4:113,373,415, G>A. VCF-style: chr4-113373415-G-A. GRCh37 (hg19) VCF-style: chr4-114294571-G-A.
Other names: c.5543G>A, p.Arg1848His (NM_001127493.3); c.5582G>A, p.Arg1861His (NM_001354225.2); c.5564G>A, p.Arg1855His (NM_001354228.2); c.5549G>A, p.Arg1850His (NM_001354230.2); c.5705G>A, p.Arg1902His (NM_001354231.2); c.5699G>A, p.Arg1900His (NM_001354232.2); c.5660G>A, p.Arg1887His (NM_001354235.2); c.5468G>A, p.Arg1823His (NM_001354236.2); and 51 more; short protein forms R1033H, R1040H, R1045H, R1696H, R1729H, R1757H, R1762H, R1770H.
Identifiers: ClinVar variation 1013838 (VCV001013838.17), dbSNP rs542400709, ClinGen allele CA3052383.